The following is an entry in ClinVar:

ClinVar aggregate classification (germline): Conflicting classifications of pathogenicity. Review status: criteria provided, conflicting classifications (1 of 4 stars). 4 submissions from 4 submitters: Uncertain significance (3); Likely benign (1). Last evaluated 2025-09-19.

Conditions:
Hereditary cancer-predisposing syndrome. Also called: Tumor predisposition; Hereditary Cancer Syndrome; Neoplastic Syndromes, Hereditary; Hereditary neoplastic syndrome. Identifiers: Orphanet 140162, MedGen C0027672, MeSH D009386, MONDO:0015356.
Familial adenomatous polyposis 2. Also called: MYH-associated polyposis; FAP type 2; ADENOMAS, MULTIPLE COLORECTAL, AUTOSOMAL RECESSIVE; MUTYH Polyposis; MUTYH-associated polyposis; MUTYH-related attenuated familial adenomatous polyposis. Identifiers: Orphanet 220460, Orphanet 247798, MedGen C3272841, MONDO:0012041, OMIM 608456.

Allele frequency attached by ClinVar (database versions not stated): gnomAD exomes below 0.00001.
gnomAD v4.1: 1 of 1,614,106 alleles (0.000062%); highest among the groups gnomAD compares: Non-Finnish European, 0.000085%; no homozygotes.

Submissions (4):

Labcorp Genetics (formerly Invitae), Labcorp
Classification: Uncertain significance for Familial adenomatous polyposis 2. Last evaluated: 2025-09-19. Review status: criteria provided, single submitter. Criteria: Invitae Variant Classification Sherloc (09022015). Collection method: clinical testing. Allele origin: germline.
Comment: This sequence change replaces alanine, which is neutral and non-polar, with valine, which is neutral and non-polar, at codon 227 of the MUTYH protein (p.Ala227Val). This variant is not present in population databases (gnomAD no frequency). This missense change has been observed in individual(s) with clinical features of MUTYH-related conditions (PMID: 21520333). ClinVar contains an entry for this variant (Variation ID: 230300). An algorithm developed to predict the effect of missense changes on protein structure and function (PolyPhen-2) suggests that this variant is likely to be disruptive. Experimental studies are conflicting or provide insufficient evidence to determine the effect of this variant on MUTYH function (PMID: 25820570). In summary, the available evidence is currently insufficient to determine the role of this variant in disease. Therefore, it has been classified as a Variant of Uncertain Significance.

Ambry Genetics
Classification: Likely benign for Hereditary cancer-predisposing syndrome. Last evaluated: 2025-09-17. Review status: criteria provided, single submitter. Criteria: Ambry Variant Classification Scheme 2023. Collection method: clinical testing. Allele origin: germline.

All of Us Research Program, National Institutes of Health
Classification: Uncertain significance for Familial adenomatous polyposis 2. Last evaluated: 2023-05-15. Review status: criteria provided, single submitter. Criteria: ACMG Guidelines, 2015. Collection method: clinical testing. Allele origin: germline. Inheritance: Autosomal recessive inheritance. Observed: 1 variant allele, 1 heterozygote.
Comment: This study involves interpretation of variants in research participants for the purpose of population health screening. Participant phenotype was not available at the time of variant classification. Additional details can be found in publication PMID: 35346344, PMCID: PMC8962531

Color Diagnostics, LLC DBA Color Health
Classification: Uncertain significance for Hereditary cancer-predisposing syndrome. Last evaluated: 2019-02-21. Review status: criteria provided, single submitter. Criteria: ACMG Guidelines, 2015. Collection method: clinical testing. Allele origin: germline.

Literature cited by the submitters: PubMed 21520333 (cited by Labcorp Genetics (formerly Invitae), Labcorp); PubMed 25820570 (cited by Labcorp Genetics (formerly Invitae), Labcorp and Ambry Genetics).

NM_001048174.2(MUTYH):c.596C>T (p.Ala199Val)

Gene: MUTYH (mutY DNA glycosylase; minus strand). Cytogenetic location: 1p34.1.
Variant type: single nucleotide variant.
Coding change: c.596C>T on transcript NM_001048174.2 (MANE Select); coding-DNA position 596, C replaced by T.
Protein change: p.Ala199Val; replaces alanine 199 with valine.
Molecular consequence: missense variant. On other transcripts: non-coding transcript variant (2).
Genome position (GRCh38, 1-based): chr1:45,332,584, G>A on the plus strand (C>T on the coding strand, the complement: MUTYH is on the minus strand). VCF-style: chr1-45332584-G-A. GRCh37 (hg19) VCF-style: chr1-45798256-G-A.
Other names: c.596C>T, p.Ala199Val (NM_001048171.2, NM_001048173.2, NM_001293195.2); c.599C>T, p.Ala200Val (NM_001048172.2); c.680C>T, p.Ala227Val (NM_001128425.2); c.641C>T, p.Ala214Val (NM_001293190.2); c.629C>T, p.Ala210Val (NM_001293191.2); c.320C>T, p.Ala107Val (NM_001293192.2, NM_001293196.2); c.251C>T, p.Ala84Val (NM_001350650.2, NM_001350651.2); c.671C>T, p.Ala224Val (NM_012222.3); short protein forms A227V, A199V, A107V, A214V, A224V, A84V, A200V, A210V.
Identifiers: ClinVar variation 230300 (VCV000230300.22), dbSNP rs11545695, ClinGen allele CA10577726.